The following is an entry in ClinVar:

NM_006269.2(RP1):c.4665A>G (p.Gly1555=)

Gene: RP1 (RP1 axonemal microtubule associated; plus strand). Cytogenetic location: 8q12.1.
Variant type: single nucleotide variant.
Coding change: c.4665A>G on transcript NM_006269.2 (MANE Select); coding-DNA position 4665, A replaced by G.
Protein change: p.Gly1555=; no amino-acid change (glycine 1555 retained).
Molecular consequence: synonymous variant. On other transcripts: intron variant (1).
Genome position (GRCh38, 1-based): chr8:54,628,547, A>G. VCF-style: chr8-54628547-A-G. GRCh37 (hg19) VCF-style: chr8-55541107-A-G.
Other names: c.787+6259A>G (NM_001375654.1); c.4665A>G (NM_006269.1).
Identifiers: ClinVar variation 1102392 (VCV001102392.11), dbSNP rs929619376, ClinGen allele CA177182274.

ClinVar aggregate classification (germline): Likely benign. Review status: criteria provided, multiple submitters, no conflicts (2 of 4 stars). 3 submissions from 3 submitters: Likely benign (3). Last evaluated 2025-09-07.

Conditions:
RP1-related disorder. Also called: RP1-related condition.
Retinitis pigmentosa 1 (RP1). Identifiers: Orphanet 791, MedGen C0220701, MONDO:0008377, OMIM 180100.

Allele frequency attached by ClinVar (database versions not stated): gnomAD exomes below 0.00001; gnomAD 0.00005 and 0.00006; TOPMed 0.00019.
gnomAD v4.1: 11 of 1,613,932 alleles (0.00068%); highest among the groups gnomAD compares: Admixed American, 0.015%; no homozygotes.

Submissions (3):

Labcorp Genetics (formerly Invitae), Labcorp
Classification: Likely benign. Last evaluated: 2025-09-07. Review status: criteria provided, single submitter. Criteria: Invitae Variant Classification Sherloc (09022015). Collection method: clinical testing. Allele origin: germline.

PreventionGenetics, part of Exact Sciences
Classification: Likely benign for RP1-related condition. Last evaluated: 2025-04-03. Review status: criteria provided, single submitter. Criteria: ACMG Guidelines, 2015. Collection method: clinical testing. Allele origin: germline.
Comment: This variant is classified as likely benign based on ACMG/AMP sequence variant interpretation guidelines (Richards et al. 2015 PMID: 25741868, with internal and published modifications).

Fulgent Genetics
Classification: Likely benign for Retinitis pigmentosa 1. Last evaluated: 2021-10-19. Review status: criteria provided, single submitter. Criteria: ACMG Guidelines, 2015. Collection method: clinical testing. Allele origin: unknown.